The following is an entry in ClinVar:

ClinVar aggregate classification (germline): Pathogenic (1 of 4 stars; one submission).

Conditions:
Hereditary cancer-predisposing syndrome. Also called: Neoplastic Syndromes, Hereditary; Tumor predisposition; Hereditary Cancer Syndrome; Hereditary neoplastic syndrome. Identifiers: Orphanet 140162, MedGen C0027672, MeSH D009386, MONDO:0015356.

Submission:

Ambry Genetics
Classification: Pathogenic for Hereditary cancer-predisposing syndrome. Last evaluated: 2021-07-23. Review status: criteria provided, single submitter. Criteria: Ambry Variant Classification Scheme 2023. Collection method: clinical testing. Allele origin: germline.
Comment: The c.4002_4004delTCTinsGC pathogenic mutation, located in coding exon 9 of the BRCA1 gene, results from the deletion of 3 nucleotides and insertion of two nucleotides causing a translational frameshift with a predicted alternate stop codon (p.L1335Rfs*31). This variant is considered to be rare based on population cohorts in the Genome Aggregation Database (gnomAD). This alteration is expected to result in loss of function by premature protein truncation or nonsense-mediated mRNA decay. As such, this alteration is interpreted as a disease-causing mutation.

NM_007294.4(BRCA1):c.4002_4004delinsGC (p.Leu1335fs)

Genes: BRCA1 (BRCA1 DNA repair associated; minus strand), LOC126862571 (BRD4-independent group 4 enhancer GRCh37_chr17:41243136-41244335; plus strand). Cytogenetic location: 17q21.31.
Variant type: Indel.
Coding change: c.4002_4004delinsGC on transcript NM_007294.4 (MANE Select); coding-DNA positions 4002 to 4004, TCT replaced by GC.
Protein change: p.Leu1335fs; shifts the reading frame from leucine 1335.
Molecular consequence: frameshift variant. On other transcripts: intron variant (135).
Genome position (GRCh38, 1-based): chr17:43,091,527-43,091,529, AGA replaced by GC on the plus strand (TCT replaced by GC on the coding strand, the reverse complement: BRCA1 is on the minus strand). VCF-style: chr17-43091527-AGA-GC. GRCh37 (hg19) VCF-style: chr17-41243544-AGA-GC.
Other names: c.788-497_788-495delinsGC (NM_001407977.1, NM_001407982.1, NM_001407970.1 and 17 more transcripts); c.647-497_647-495delinsGC (NM_001408410.1, NM_001408458.1, NM_001408469.1 and 11 more transcripts); c.710-497_710-495delinsGC (NM_001408415.1, NM_001408412.1, NM_001408409.1 and 2 more transcripts); c.578-497_578-495delinsGC (NM_001408483.1, NM_001408481.1, NM_001408480.1 and 9 more transcripts); c.665-497_665-495delinsGC (NM_001408442.1, NM_001408426.1, NM_001408436.1 and 12 more transcripts); c.3789_3791delinsGC, p.Leu1264fs (NM_001407571.1, NM_001407853.1, NM_001407894.1 and 9 more transcripts); c.4002_4004delinsGC, p.Leu1335fs (NM_001407581.1, NM_001407582.1, NM_001407583.1 and 30 more transcripts); c.3999_4001delinsGC, p.Leu1334fs (NM_001407587.1, NM_001407590.1, NM_001407591.1 and 22 more transcripts); and 41 more; short protein forms L1335fs, L1288fs, L1267fs, L1293fs, L1332fs, L1207fs, L1246fs, L1268fs.
Identifiers: ClinVar variation 1736940 (VCV001736940.2), dbSNP rs2552114118, ClinGen allele CA2580094254.
Genomic context (GRCh38, chr17:43,091,527, plus strand): 5'-TTATTTTCTTCCAAGCCCGTTCCTCTTTCTTCATCATCTGAAACCAATTCCTTGTCACTC[AGA>GC]CCAACTCCCTGGCTTTCAGACTGATGCCTCATTTGTTTGGAAGAACCAATCAAGAAAGGA-3'